The following is an entry in ClinVar:

NM_032237.5(POMK):c.641A>T (p.Gln214Leu)

Gene: POMK (protein O-mannose kinase; plus strand). Cytogenetic location: 8p11.21.
Variant type: single nucleotide variant.
Coding change: c.641A>T on transcript NM_032237.5 (MANE Select); coding-DNA position 641, A replaced by T.
Protein change: p.Gln214Leu; replaces glutamine 214 with leucine.
Molecular consequence: missense variant.
Genome position (GRCh38, 1-based): chr8:43,122,465, A>T. VCF-style: chr8-43122465-A-T. GRCh37 (hg19) VCF-style: chr8-42977608-A-T.
Other names: c.641A>T, p.Gln214Leu (NM_001277971.2); short protein forms Q214L.
Identifiers: ClinVar variation 1473520 (VCV001473520.5), dbSNP rs1250212576, ClinGen allele CA371122345.

ClinVar aggregate classification (germline): Uncertain significance (1 of 4 stars; one submission).

Conditions:
Limb-girdle muscular dystrophy due to POMK deficiency. Also called: Muscular dystrophy-dystroglycanopathy (limb-girdle), type c, 12; MUSCULAR DYSTROPHY-DYSTROGLYCANOPATHY, LIMB-GIRDLE, POMK-RELATED. Identifiers: Orphanet 445110, MedGen C4015184, MONDO:0014489, OMIM 616094.
Muscular dystrophy-dystroglycanopathy (congenital with brain and eye anomalies), type a, 12 (MDDGA12). Also called: WALKER-WARBURG SYNDROME OR MUSCLE-EYE-BRAIN DISEASE, POMK-RELATED. Identifiers: Orphanet 899, MedGen C3808964, MONDO:0014101, OMIM 615249.

gnomAD v4.1: 4 of 1,614,046 alleles (0.00025%); highest among the groups gnomAD compares: Middle Eastern, 0.016%; no homozygotes.

Submission:

Labcorp Genetics (formerly Invitae), Labcorp
Classification: Uncertain significance for Muscular dystrophy-dystroglycanopathy (congenital with brain and eye anomalies), type a, 12; Limb-girdle muscular dystrophy due to POMK deficiency. Last evaluated: 2022-06-20. Review status: criteria provided, single submitter. Criteria: Invitae Variant Classification Sherloc (09022015). Collection method: clinical testing. Allele origin: germline.
Comment: This sequence change replaces glutamine, which is neutral and polar, with leucine, which is neutral and non-polar, at codon 214 of the POMK protein (p.Gln214Leu). This variant is not present in population databases (gnomAD no frequency). This variant has not been reported in the literature in individuals affected with POMK-related conditions. Algorithms developed to predict the effect of missense changes on protein structure and function (SIFT, PolyPhen-2, Align-GVGD) all suggest that this variant is likely to be disruptive. In summary, the available evidence is currently insufficient to determine the role of this variant in disease. Therefore, it has been classified as a Variant of Uncertain Significance.